The following is an entry in ClinVar:

ClinVar aggregate classification (germline): Uncertain significance (1 of 4 stars; one submission).

Submission:

Ambry Genetics
Classification: Uncertain significance. Last evaluated: 2024-09-20. Review status: criteria provided, single submitter. Criteria: Ambry Variant Classification Scheme 2023. Collection method: clinical testing. Allele origin: germline.
Comment: The p.R808K variant (also known as c.2423G>A), located in coding exon 24 of the NEBL gene, results from a G to A substitution at nucleotide position 2423. The arginine at codon 808 is replaced by lysine, an amino acid with highly similar properties. This amino acid position is conserved. In addition, the in silico prediction for this alteration is inconclusive. Based on the available evidence, the clinical significance of this variant remains unclear.

NM_006393.3(NEBL):c.2423G>A (p.Arg808Lys)

Gene: NEBL (nebulette; minus strand). Cytogenetic location: 10p12.31.
Variant type: single nucleotide variant.
Coding change: c.2423G>A on transcript NM_006393.3 (MANE Select); coding-DNA position 2423, G replaced by A.
Protein change: p.Arg808Lys; replaces arginine 808 with lysine.
Molecular consequence: missense variant.
Genome position (GRCh38, 1-based): chr10:20,812,864, C>T on the plus strand (G>A on the coding strand, the complement: NEBL is on the minus strand). VCF-style: chr10-20812864-C-T. GRCh37 (hg19) VCF-style: chr10-21101793-C-T.
Other names: c.434G>A, p.Arg145Lys (NM_001173484.2, NM_001377322.1, NM_213569.2); c.386G>A, p.Arg129Lys (NM_001377323.1); c.377G>A, p.Arg126Lys (NM_001377324.1); c.368G>A, p.Arg123Lys (NM_001377325.1); c.326G>A, p.Arg109Lys (NM_001377326.1, NM_001377327.1, NM_001377328.1); short protein forms R109K, R126K, R145K, R123K, R129K, R808K.
Identifiers: ClinVar variation 3404006 (VCV003404006.1).
Genomic context (GRCh38, chr10:20,812,864, plus strand): 5'-ATGTGAGGGTGGACCCCTTTATAGGCAGCATCGCTGACCACCTGGGTGTTCTTCCTCACT[C>T]TCTCTGTCACAGGATCGTCCACGACGGGAGTAAAGCCTCTCCCCTTTGTTTTTTCAAAAT-3'
Protein context (NP_006384.1, residues 798-818): TPVVDDPVTE[Arg808Lys]VRKNTQVVSD